The following is an entry in ClinVar:

ClinVar aggregate classification (germline): Uncertain significance (1 of 4 stars; one submission).

Submission:

Labcorp Genetics (formerly Invitae), Labcorp
Classification: Uncertain significance. Last evaluated: 2023-04-26. Review status: criteria provided, single submitter. Criteria: Invitae Variant Classification Sherloc (09022015). Collection method: clinical testing. Allele origin: germline.
Comment: This sequence change replaces serine, which is neutral and polar, with proline, which is neutral and non-polar, at codon 389 of the KDF1 protein (p.Ser389Pro). This variant is not present in population databases (gnomAD no frequency). This variant has not been reported in the literature in individuals affected with KDF1-related conditions. Advanced modeling of protein sequence and biophysical properties (such as structural, functional, and spatial information, amino acid conservation, physicochemical variation, residue mobility, and thermodynamic stability) performed at Invitae indicates that this missense variant is not expected to disrupt KDF1 protein function. In summary, the available evidence is currently insufficient to determine the role of this variant in disease. Therefore, it has been classified as a Variant of Uncertain Significance.

NM_152365.3(KDF1):c.1165T>C (p.Ser389Pro)

Gene: KDF1 (keratinocyte differentiation factor 1; minus strand). Cytogenetic location: 1p36.11.
Variant type: single nucleotide variant.
Coding change: c.1165T>C on transcript NM_152365.3 (MANE Select); coding-DNA position 1165, T replaced by C.
Protein change: p.Ser389Pro; replaces serine 389 with proline.
Molecular consequence: missense variant.
Genome position (GRCh38, 1-based): chr1:26,950,101, A>G on the plus strand (T>C on the coding strand, the complement: KDF1 is on the minus strand). VCF-style: chr1-26950101-A-G. GRCh37 (hg19) VCF-style: chr1-27276592-A-G.
Other names: short protein forms S389P.
Identifiers: ClinVar variation 2859389 (VCV002859389.3), dbSNP rs2522710173, ClinGen allele CA339158362.